The following is an entry in ClinVar:

NM_001386135.1(AFF3):c.3667G>A (p.Ala1223Thr)

Gene: AFF3 (ALF transcription elongation factor 3; minus strand). Cytogenetic location: 2q11.2.
Variant type: single nucleotide variant.
Coding change: c.3667G>A on transcript NM_001386135.1 (MANE Select); coding-DNA position 3667, G replaced by A.
Protein change: p.Ala1223Thr; replaces alanine 1223 with threonine.
Molecular consequence: missense variant.
Genome position (GRCh38, 1-based): chr2:99,551,488, C>T on the plus strand (G>A on the coding strand, the complement: AFF3 is on the minus strand). VCF-style: chr2-99551488-C-T. GRCh37 (hg19) VCF-style: chr2-100167950-C-T.
Other names: c.3742G>A, p.Ala1248Thr (NM_001025108.2); c.3667G>A, p.Ala1223Thr (NM_002285.3); short protein forms A1248T, A1223T.
Identifiers: ClinVar variation 4021672 (VCV004021672.2).

ClinVar aggregate classification (germline): Conflicting classifications of pathogenicity. Review status: criteria provided, conflicting classifications (1 of 4 stars). 2 submissions from 2 submitters: Uncertain significance (1); Likely benign (1). Last evaluated 2026-05-19.

Conditions:
Inborn genetic diseases. Identifiers: MedGen C0950123, MeSH D030342.

gnomAD v4.1: 164 of 1,614,054 alleles (0.01%); highest among the groups gnomAD compares: African/African-American, 0.037%; no homozygotes.

Submissions (2):

Women's Health and Genetics/Laboratory Corporation of America, LabCorp
Classification: Uncertain significance. Last evaluated: 2026-05-19. Review status: criteria provided, single submitter. Criteria: LabCorp Variant Classification Summary - May 2015. Collection method: clinical testing. Allele origin: germline.
Comment: Variant summary: AFF3 c.3667G>A (p.Ala1223Thr) results in a non-conservative amino acid change in the encoded protein sequence. Algorithms developed to predict the effect of missense changes on protein structure and function are either unavailable or do not agree on the potential impact of this missense change. The variant allele was found at a frequency of 0.00011 in 250186 control chromosomes. This frequency is not significantly higher than estimated for disease-causing variants in AFF3, allowing no conclusion about variant significance. To our knowledge, no occurrence of c.3667G>A in individuals affected with AFF3-related conditions and no experimental evidence demonstrating its impact on protein function have been reported. ClinVar contains an entry for this variant (Variation ID: 4021672). Based on the evidence outlined above, the variant was classified as uncertain significance.

Ambry Genetics
Classification: Likely benign for Inborn genetic diseases. Last evaluated: 2025-04-20. Review status: criteria provided, single submitter. Criteria: Ambry Variant Classification Scheme 2023. Collection method: clinical testing. Allele origin: germline.